The following is an entry in ClinVar:

NM_148919.4(PSMB8):c.408G>A (p.Arg136=)

Gene: PSMB8 (proteasome 20S subunit beta 8; minus strand). Cytogenetic location: 6p21.32.
Variant type: single nucleotide variant.
Coding change: c.408G>A on transcript NM_148919.4 (MANE Select); coding-DNA position 408, G replaced by A.
Protein change: p.Arg136=; no amino-acid change (arginine 136 retained).
Molecular consequence: synonymous variant.
Genome position (GRCh38, 1-based): chr6:32,842,263, C>T on the plus strand (G>A on the coding strand, the complement: PSMB8 is on the minus strand). VCF-style: chr6-32842263-C-T. GRCh37 (hg19) VCF-style: chr6-32810040-C-T.
Other names: c.396G>A, p.Arg132= (NM_004159.5).
Identifiers: ClinVar variation 2091862 (VCV002091862.4), dbSNP rs764187500, ClinGen allele CA3746382.

ClinVar aggregate classification (germline): Uncertain significance (1 of 4 stars; one submission).

Conditions:
Proteosome-associated autoinflammatory syndrome. Also called: Proteasome-associated autoinflammatory syndrome. Identifiers: Orphanet 324977, MedGen C1850568, MONDO:0009726.

gnomAD v4.1: 8 of 1,613,060 alleles (0.0005%); highest among the groups gnomAD compares: South Asian, 0.0088%; no homozygotes.

Submission:

Labcorp Genetics (formerly Invitae), Labcorp
Classification: Uncertain significance for Proteosome-associated autoinflammatory syndrome. Last evaluated: 2022-08-22. Review status: criteria provided, single submitter. Criteria: Invitae Variant Classification Sherloc (09022015). Collection method: clinical testing. Allele origin: germline.
Comment: This variant is present in population databases (rs764187500, gnomAD 0.01%). In summary, the available evidence is currently insufficient to determine the role of this variant in disease. Therefore, it has been classified as a Variant of Uncertain Significance. Algorithms developed to predict the effect of sequence changes on RNA splicing suggest that this variant is not likely to affect RNA splicing. This variant has not been reported in the literature in individuals affected with PSMB8-related conditions. This sequence change affects codon 136 of the PSMB8 mRNA. It is a 'silent' change, meaning that it does not change the encoded amino acid sequence of the PSMB8 protein. It affects a nucleotide within the consensus splice site.